The following is an entry in ClinVar:

NM_001360.3(DHCR7):c.305T>A (p.Leu102Ter)

Gene: DHCR7 (7-dehydrocholesterol reductase; minus strand). Cytogenetic location: 11q13.4.
Variant type: single nucleotide variant.
Coding change: c.305T>A on transcript NM_001360.3 (MANE Select); coding-DNA position 305, T replaced by A.
Protein change: p.Leu102Ter; replaces leucine 102 with a stop codon.
Molecular consequence: nonsense.
Genome position (GRCh38, 1-based): chr11:71,444,009, A>T on the plus strand (T>A on the coding strand, the complement: DHCR7 is on the minus strand). VCF-style: chr11-71444009-A-T. GRCh37 (hg19) VCF-style: chr11-71155055-A-T.
Other names: c.305T>A, p.Leu102Ter (NM_001163817.2); short protein forms L102*.
Identifiers: ClinVar variation 1726512 (VCV001726512.2), dbSNP rs1342235041, ClinGen allele CA381695940.

ClinVar aggregate classification (germline): Likely pathogenic (1 of 4 stars; one submission).

Conditions:
Smith-Lemli-Opitz syndrome (SLOS). Also called: LETHAL ACRODYSGENITAL SYNDROME; POLYDACTYLY, SEX REVERSAL, RENAL HYPOPLASIA, AND UNILOBAR LUNG; RSH SYNDROME; RUTLEDGE LETHAL MULTIPLE CONGENITAL ANOMALY SYNDROME; 7-Dehydrocholesterol reductase deficiency. Identifiers: Orphanet 818, MedGen C0175694, MONDO:0010035, OMIM 270400.

Submission:

Myriad Genetics, Inc.
Classification: Likely pathogenic for Smith-Lemli-Opitz syndrome. Last evaluated: 2021-12-17. Review status: criteria provided, single submitter. Criteria: Myriad Women's Health Autosomal Recessive and X-Linked Classification Criteria (2021). Collection method: clinical testing. Allele origin: unknown.
Comment: NM_001360.2(DHCR7):c.305T>A(L102*) is expected to be pathogenic in the context of Smith-Lemli-Opitz syndrome. This variant is predicted to lead to an abnormal or absent protein product due to the creation of a premature termination codon in DHCR7, a gene where loss-of-function variants are known to be pathogenic. Please note: this variant was assessed in the context of healthy population screening.